The following is an entry in ClinVar:

NM_058179.4(PSAT1):c.478G>A (p.Val160Met)

Gene: PSAT1 (phosphoserine aminotransferase 1; plus strand). Cytogenetic location: 9q21.2.
Variant type: single nucleotide variant.
Coding change: c.478G>A on transcript NM_058179.4 (MANE Select); coding-DNA position 478, G replaced by A.
Protein change: p.Val160Met; replaces valine 160 with methionine.
Molecular consequence: missense variant.
Genome position (GRCh38, 1-based): chr9:78,306,394, G>A. VCF-style: chr9-78306394-G-A. GRCh37 (hg19) VCF-style: chr9-80921310-G-A.
Other names: c.478G>A, p.Val160Met (NM_021154.5); short protein forms V160M.
Identifiers: ClinVar variation 976942 (VCV000976942.7), dbSNP rs765810685, ClinGen allele CA5095639.
Genomic context (GRCh38, chr9:78,306,394, plus strand): 5'-TGGAACCTCAACCCAGATGCCTCCTACGTGTATTATTGCGCAAATGAGACGGTGCATGGT[G>A]TGGAGTTTGACTTTATACCCGATGTCAAGGGAGCAGTACTGGTTTGTGACATGTCCTCAA-3'
Protein context (NP_478059.1, residues 150-170): YYCANETVHG[Val160Met]EFDFIPDVKG

ClinVar aggregate classification (germline): Uncertain significance. Review status: criteria provided, single submitter (1 of 4 stars). 2 submissions from 2 submitters: Uncertain significance (1). 1 of the submissions does not count toward it. Last evaluated 2023-10-31.

Conditions:
Neu-Laxova syndrome 2. Identifiers: Orphanet 2671, Orphanet 583602, MedGen C4015019, MONDO:0014466, OMIM 616038.

Allele frequency attached by ClinVar (database versions not stated): ExAC 0.00001; gnomAD exomes 0.00002 and 0.00003; TOPMed 0.00002.
gnomAD v4.1: 12 of 1,613,932 alleles (0.00074%); highest among the groups gnomAD compares: Admixed American, 0.02%; no homozygotes.

Submissions (2):

Labcorp Genetics (formerly Invitae), Labcorp
Classification: Uncertain significance for Neu-Laxova syndrome 2. Last evaluated: 2023-10-31. Review status: criteria provided, single submitter. Criteria: Invitae Variant Classification Sherloc (09022015). Collection method: clinical testing. Allele origin: germline.
Comment: This sequence change replaces valine, which is neutral and non-polar, with methionine, which is neutral and non-polar, at codon 160 of the PSAT1 protein (p.Val160Met). This variant is present in population databases (rs765810685, gnomAD 0.02%). This variant has not been reported in the literature in individuals affected with PSAT1-related conditions. ClinVar contains an entry for this variant (Variation ID: 976942). Advanced modeling of protein sequence and biophysical properties (such as structural, functional, and spatial information, amino acid conservation, physicochemical variation, residue mobility, and thermodynamic stability) has been performed at Invitae for this missense variant, however the output from this modeling did not meet the statistical confidence thresholds required to predict the impact of this variant on PSAT1 protein function. Experimental studies have shown that this missense change affects PSAT1 function (PMID: 32077105). In summary, the available evidence is currently insufficient to determine the role of this variant in disease. Therefore, it has been classified as a Variant of Uncertain Significance.

Dudley Research Group, Pacific Northwest Research Institute
No classification provided. Review status: no classification provided. Collection method: research, in vivo. Allele origin: unknown, not applicable. Functional consequence: loss_of_function_variant. Not counted in ClinVar's aggregate classification.

Literature cited by the submitters: PubMed 32077105 (cited by Labcorp Genetics (formerly Invitae), Labcorp).